The following is an entry in ClinVar:

NM_014795.4(ZEB2):c.313del (p.Ala105fs)

Gene: ZEB2 (zinc finger E-box binding homeobox 2; minus strand). Cytogenetic location: 2q22.3.
Variant type: Deletion.
Coding change: c.313del on transcript NM_014795.4 (MANE Select); coding-DNA position 313, one base deleted (G; older notation c.313delG).
Protein change: p.Ala105fs; shifts the reading frame from alanine 105.
Molecular consequence: frameshift variant.
Genome position (GRCh38, 1-based): chr2:144,429,787, C deleted on the plus strand (G on the coding strand, the reverse complement: ZEB2 is on the minus strand). VCF-style (leftmost placement, unchanged base first): chr2-144429786-GC-G. GRCh37 (hg19) VCF-style: chr2-145187353-GC-G.
Other names: c.313del, p.Ala105fs (NM_001171653.2); short protein forms A105fs.
Identifiers: ClinVar variation 1418131 (VCV001418131.6), dbSNP rs2149891139, ClinGen allele CA2573133275.

ClinVar aggregate classification (germline): Pathogenic (1 of 4 stars; one submission).

Conditions:
Mowat-Wilson syndrome (MOWS). Also called: Classic Mowat-Wilson Syndrome. Identifiers: Orphanet 2152, MedGen C1856113, MONDO:0009341, OMIM 235730.

Submission:

Labcorp Genetics (formerly Invitae), Labcorp
Classification: Pathogenic for Mowat-Wilson syndrome. Last evaluated: 2024-02-24. Review status: criteria provided, single submitter. Criteria: Invitae Variant Classification Sherloc (09022015). Collection method: clinical testing. Allele origin: germline.
Comment: This sequence change creates a premature translational stop signal (p.Ala105Profs*3) in the ZEB2 gene. It is expected to result in an absent or disrupted protein product. Loss-of-function variants in ZEB2 are known to be pathogenic (PMID: 16053902). This variant is not present in population databases (gnomAD no frequency). This variant has not been reported in the literature in individuals affected with ZEB2-related conditions. ClinVar contains an entry for this variant (Variation ID: 1418131). For these reasons, this variant has been classified as Pathogenic.

Literature cited by the submitters: PubMed 16053902.